The following is an entry in ClinVar:

ClinVar aggregate classification (germline): Conflicting classifications of pathogenicity. Review status: criteria provided, conflicting classifications (1 of 4 stars). 5 submissions from 5 submitters: Pathogenic (2); Likely pathogenic (2); Uncertain significance (1). Last evaluated 2022-11-27.

Conditions:
Spinocerebellar ataxia, autosomal recessive, with axonal neuropathy 2 (SCAN2). Also called: Ataxia with Oculomotor Apraxia Type 2; Ataxia-ocular apraxia-2; ATAXIA-OCULOMOTOR APRAXIA 2; Ataxia with Oculomotor Apraxia. Identifiers: Orphanet 64753, MedGen C1853761, MONDO:0018996, OMIM 606002.
Amyotrophic lateral sclerosis type 4 (ALS4). Also called: NEURONOPATHY, DISTAL HEREDITARY MOTOR, WITH PYRAMIDAL FEATURES; AMYOTROPHIC LATERAL SCLEROSIS 4, JUVENILE. Identifiers: Orphanet 357043, MedGen C1865409, MONDO:0011223, OMIM 602433.

Allele frequency attached by ClinVar (database versions not stated): ExAC 0.00002; gnomAD 0.00002; gnomAD exomes 0.00002 and 0.00001.
gnomAD v4.1: 27 of 1,614,098 alleles (0.0017%); highest among the groups gnomAD compares: East Asian, 0.0067%; no homozygotes.

Submissions (5):

GeneDx
Classification: Likely pathogenic. Last evaluated: 2022-11-27. Review status: criteria provided, single submitter. Criteria: GeneDx Variant Classification Process June 2021. Collection method: clinical testing. Allele origin: germline. Affected: yes.
Comment: Published functional studies demonstrate this variant results in impaired RNA binding, and consequently impaired duplex unwinding and in vitro transcription termination (Leonaite et al., 2017); In silico analysis supports that this missense variant has a deleterious effect on protein structure/function; This variant is associated with the following publications: (PMID: 19696032, 23129421, 25116135, 31069529, 35936600, 28408439, 31429931, 31656689)

CeGaT Center for Human Genetics Tuebingen
Classification: Pathogenic. Last evaluated: 2021-07-01. Review status: criteria provided, single submitter. Criteria: CeGaT Center For Human Genetics Tuebingen Variant Classification Criteria Version 2. Collection method: clinical testing. Allele origin: germline. Affected: yes. Observed: 1 variant allele.

Athena Diagnostics
Classification: Uncertain significance. Last evaluated: 2020-10-08. Review status: criteria provided, single submitter. Criteria: Athena Diagnostics criteria. Collection method: clinical testing. Allele origin: unknown.

Juno Genomics, Hangzhou Juno Genomics, Inc
Classification: Likely pathogenic for Spinocerebellar ataxia, autosomal recessive, with axonal neuropathy 2. Review status: criteria provided, single submitter. Criteria: ACMG Guidelines, 2015. Collection method: clinical testing. Allele origin: germline.
Comment: Absent from controls (or at extremely low frequency if recessive) in Genome Aggregation Database.;For recessive disorders, detected in trans with a pathogenic variant.;Well-established in vitro or in vivo functional studies supportive of a damaging effect on the gene or gene product.

Paris Brain Institute, Inserm - ICM
Classification: Pathogenic for Amyotrophic lateral sclerosis type 4. Review status: criteria provided, single submitter. Criteria: ACMG Guidelines, 2015. Collection method: clinical testing. Allele origin: unknown. Affected: yes. Observed: 2 variant alleles.

Literature cited by the submitters: PubMed 19696032 (cited by Athena Diagnostics); PubMed 25116135 (cited by Athena Diagnostics); PubMed 31429931 (cited by Athena Diagnostics); PubMed 31656689 (cited by Athena Diagnostics).

NM_015046.7(SETX):c.6029A>G (p.Asn2010Ser)

Gene: SETX (senataxin; minus strand). Cytogenetic location: 9q34.13.
Variant type: single nucleotide variant.
Coding change: c.6029A>G on transcript NM_015046.7 (MANE Select); coding-DNA position 6029, A replaced by G.
Protein change: p.Asn2010Ser; replaces asparagine 2010 with serine.
Molecular consequence: missense variant.
Genome position (GRCh38, 1-based): chr9:132,295,949, T>C on the plus strand (A>G on the coding strand, the complement: SETX is on the minus strand). VCF-style: chr9-132295949-T-C. GRCh37 (hg19) VCF-style: chr9-135171336-T-C.
Other names: c.6029A>G, p.Asn2010Ser (NM_001351527.2, NM_001351528.2); short protein forms N2010S.
Identifiers: ClinVar variation 805425 (VCV000805425.43), dbSNP rs759806045, ClinGen allele CA5296849.